The following is an entry in ClinVar:

NM_002075.4(GNB3):c.145C>T (p.Arg49Trp)

Gene: GNB3 (G protein subunit beta 3; plus strand). Cytogenetic location: 12p13.31.
Variant type: single nucleotide variant.
Coding change: c.145C>T on transcript NM_002075.4 (MANE Select); coding-DNA position 145, C replaced by T.
Protein change: p.Arg49Trp; replaces arginine 49 with tryptophan.
Molecular consequence: missense variant.
Genome position (GRCh38, 1-based): chr12:6,843,018, C>T. VCF-style: chr12-6843018-C-T. GRCh37 (hg19) VCF-style: chr12-6952182-C-T.
Other names: c.145C>T, p.Arg49Trp (NM_001297571.2); short protein forms R49W.
Identifiers: ClinVar variation 1379768 (VCV001379768.7), dbSNP rs144742962, ClinGen allele CA6417426.

ClinVar aggregate classification (germline): Uncertain significance. Review status: criteria provided, multiple submitters, no conflicts (2 of 4 stars). 2 submissions from 2 submitters: Uncertain significance (2). Last evaluated 2023-05-11.

Allele frequency attached by ClinVar (database versions not stated): gnomAD exomes 0.00001 and 0.00002; TOPMed 0.00002; ExAC 0.00004; ESP Exome Variant Server 0.00008.

Submissions (2):

Blueprint Genetics
Classification: Uncertain significance. Last evaluated: 2023-05-11. Review status: criteria provided, single submitter. Criteria: ACMG Guidelines, 2015. Collection method: clinical testing. Allele origin: germline.

Labcorp Genetics (formerly Invitae), Labcorp
Classification: Uncertain significance. Last evaluated: 2022-05-08. Review status: criteria provided, single submitter. Criteria: Invitae Variant Classification Sherloc (09022015). Collection method: clinical testing. Allele origin: germline.
Comment: This sequence change replaces arginine, which is basic and polar, with tryptophan, which is neutral and slightly polar, at codon 49 of the GNB3 protein (p.Arg49Trp). This variant is present in population databases (rs144742962, gnomAD 0.006%). This variant has not been reported in the literature in individuals affected with GNB3-related conditions. Algorithms developed to predict the effect of missense changes on protein structure and function are either unavailable or do not agree on the potential impact of this missense change (SIFT: "Deleterious"; PolyPhen-2: "Probably Damaging"; Align-GVGD: "Class C0"). In summary, the available evidence is currently insufficient to determine the role of this variant in disease. Therefore, it has been classified as a Variant of Uncertain Significance.